The following is an entry in ClinVar:

ClinVar aggregate classification (germline): Conflicting classifications of pathogenicity. Review status: criteria provided, conflicting classifications (1 of 4 stars). 4 submissions from 4 submitters: Likely pathogenic (3); Uncertain significance (1). Last evaluated 2025-12-05.

Conditions:
Hypertrophic cardiomyopathy 9. Also called: Familial hypertrophic cardiomyopathy 9. Identifiers: MedGen C1861065, MONDO:0013412, OMIM 613765.
Early-onset myopathy with fatal cardiomyopathy (CMYO5). Also called: Salih Myopathy; CONGENITAL MYOPATHY 5 WITH CARDIOMYOPATHY. Identifiers: Orphanet 289377, MedGen C2673677, MONDO:0012714, OMIM 611705. Disease mechanism: loss of function.
Autosomal recessive limb-girdle muscular dystrophy type 2J (LGMDR10). Also called: Limb-girdle muscular dystrophy, type 2J; MUSCULAR DYSTROPHY, LIMB-GIRDLE, AUTOSOMAL RECESSIVE 10. Identifiers: Orphanet 140922, MedGen C1837342, MONDO:0012127, OMIM 608807.
Tibial muscular dystrophy (TMD). Also called: Tibial muscular dystrophy, tardive; Udd Distal Myopathy – Tibial Muscular Dystrophy; UDD MYOPATHY. Identifiers: Orphanet 609, MedGen C1838244, MONDO:0010870, OMIM 600334.
Myopathy, myofibrillar, 9, with early respiratory failure (MFM9). Also called: Hereditary myopathy with early respiratory failure; Myopathy, distal, with early respiratory failure, autosomal dominant; EDSTROM MYOPATHY; MYOPATHY, PROXIMAL, WITH EARLY RESPIRATORY MUSCLE INVOLVEMENT. Identifiers: Orphanet 178464, Orphanet 34521, MedGen C1863599, MONDO:0011362, OMIM 603689.
Dilated cardiomyopathy 1G (CMD1G). Identifiers: Orphanet 154, MedGen C1858763, MONDO:0011400, OMIM 604145.
TTN-related disorder. Also called: TTN-related disorders; TTN-related condition; TTN-related disease.
Cardiovascular phenotype. Identifiers: MedGen CN230736.

Submissions (4):

PreventionGenetics, part of Exact Sciences
Classification: Likely pathogenic for TTN-related condition. Last evaluated: 2025-12-05. Review status: criteria provided, single submitter. Criteria: ACMG Guidelines, 2015. Collection method: clinical testing. Allele origin: germline.
Comment: The TTN c.1393G>T variant is predicted to result in premature protein termination (p.Glu465*). This variant is located in the TTN protein Z-disk region. RNAseq studies from heart tissue indicate this exon is commonly included in TTN mRNA transcripts (PSI of 100%, Roberts et al. 2015. PubMed ID: 25589632). TTN loss-of-function variants occurring in constitutively expressed exons (PSI > 90%) are more likely to be disease causing for TTN cardiac-related disorders regardless of band location (Roberts et al. 2015. PubMed ID: 25589632; Schafer et al. 2017. PubMed ID: 27869827; Akhtar et al. 2020. PubMed ID: 32964742). Many cases of recessive TTN-related myopathies in which the individual is compound heterozygous for two loss-of-function variants in TTN have also been reported (Ge et al. 2019. PubMed ID: 31053406; Oates et al. 2018. PubMed ID: 29691892; Rees et al. 2021. PubMed ID: 33449170). In summary, this variant is categorized as likely pathogenic. Of note, this variant is considered likely pathogenic for increased risk of TTN-related cardiac disorders, and also for autosomal recessive TTN-related congenital titinopathies.

Ambry Genetics
Classification: Likely pathogenic for Cardiovascular phenotype. Last evaluated: 2025-02-21. Review status: criteria provided, single submitter. Criteria: Ambry Variant Classification Scheme 2023. Collection method: clinical testing. Allele origin: germline.
Comment: The p.E465* variant (also known as c.1393G>T), located in coding exon 7 of the TTN gene, results from a G to T substitution at nucleotide position 1393. This changes the amino acid from a glutamic acid to a stop codon within coding exon 7. This exon is located in the Z-disk region of the N2-B isoform of the titin protein and is constitutively expressed in TTN transcripts (percent spliced in or PSI 100%). This variant is considered to be rare based on population cohorts in the Genome Aggregation Database (gnomAD). This variant is expected to result in loss of function by premature protein truncation or nonsense-mediated mRNA decay. While truncating variants in TTN are present in 1-3% of the general population, truncating variants in the A-band are the most common cause of dilated cardiomyopathy (Herman DS et al. N. Engl. J. Med., 2012 Feb;366:619-28; Roberts AM et al. Sci Transl Med, 2015 Jan;7:270ra6). TTN truncating variants encoded in constitutive exons (PSI >90%) have been found to be significantly associated with DCM regardless of their position in titin (Schafer S et al. Nat. Genet., 2017 01;49:46-53; Akhtar MM et al. Circ Heart Fail, 2020 Oct;13:e006832; Massier M et al. Clin Genet, 2025 Jan). Based on the majority of available evidence to date, this variant is likely to be pathogenic.

Labcorp Genetics (formerly Invitae), Labcorp
Classification: Likely pathogenic for Dilated cardiomyopathy 1G; Autosomal recessive limb-girdle muscular dystrophy type 2J. Last evaluated: 2025-02-12. Review status: criteria provided, single submitter. Criteria: Invitae Variant Classification Sherloc (09022015). Collection method: clinical testing. Allele origin: germline.
Comment: This sequence change creates a premature translational stop signal (p.Glu465*) in the TTN gene. While this is not anticipated to result in nonsense mediated decay, it is expected to create a truncated TTN protein. This variant is not present in population databases (gnomAD no frequency). This variant has not been reported in the literature in individuals affected with TTN-related conditions. ClinVar contains an entry for this variant (Variation ID: 1498425). This variant is located in the Z band of TTN (PMID: 25589632). Truncating variants in this region have been reported in individuals affected with autosomal recessive centronuclear myopathy (PMID: 33449170, internal data). Truncating variants in this region have also been identified in individuals affected with autosomal dominant dilated cardiomyopathy and/or cardio-related conditions (PMID: 27869827, 32964742, internal data). In summary, the currently available evidence indicates that the variant is pathogenic, but additional data are needed to prove that conclusively. Therefore, this variant has been classified as Likely Pathogenic.

Fulgent Genetics
Classification: Uncertain significance for Tibial muscular dystrophy; Myopathy, myofibrillar, 9, with early respiratory failure; Dilated cardiomyopathy 1G; Autosomal recessive limb-girdle muscular dystrophy type 2J; Early-onset myopathy with fatal cardiomyopathy; Hypertrophic cardiomyopathy 9. Last evaluated: 2021-07-17. Review status: criteria provided, single submitter. Criteria: ACMG Guidelines, 2015. Collection method: clinical testing. Allele origin: unknown.

Literature cited by the submitters: PubMed 25589632 (cited by Labcorp Genetics (formerly Invitae), Labcorp); PubMed 33449170 (cited by Labcorp Genetics (formerly Invitae), Labcorp); PubMed 27869827 (cited by Labcorp Genetics (formerly Invitae), Labcorp); PubMed 32964742 (cited by Labcorp Genetics (formerly Invitae), Labcorp).

NM_001267550.2(TTN):c.1393G>T (p.Glu465Ter)

Gene: TTN (titin; minus strand). Cytogenetic location: 2q31.2.
Variant type: single nucleotide variant.
Coding change: c.1393G>T on transcript NM_001267550.2 (MANE Select); coding-DNA position 1393, G replaced by T.
Protein change: p.Glu465Ter; replaces glutamic acid 465 with a stop codon.
Molecular consequence: nonsense.
Genome position (GRCh38, 1-based): chr2:178,794,404, C>A on the plus strand (G>T on the coding strand, the complement: TTN is on the minus strand). VCF-style: chr2-178794404-C-A. GRCh37 (hg19) VCF-style: chr2-179659131-C-A.
Other names: c.1393G>T, p.Glu465Ter (NM_001256850.1, NM_003319.4, NM_133378.4 and 3 more transcripts); c.1393G>T (NM_133379.4); short protein forms E465*.
Identifiers: ClinVar variation 1498425 (VCV001498425.13), dbSNP rs1313233245, ClinGen allele CA349515218.
Genomic context (GRCh38, chr2:178,794,404, plus strand): 5'-AATGTGCACTGAAGGACGTGGCTCTGCGGGTGCCCCATGGCAGCCTCGCACGTACCTGTT[C>A]TTGAGCAGGTTGGATGTGCACAGCAGTCGTGGTTGTCCTCTGAGCAGTCTGCTCTACAGC-3'